The following is an entry in ClinVar:

ClinVar aggregate classification (germline): Uncertain significance (1 of 4 stars; one submission).

Allele frequency attached by ClinVar (database versions not stated): TOPMed 0.00001; ExAC 0.00003.

Submission:

Labcorp Genetics (formerly Invitae), Labcorp
Classification: Uncertain significance. Last evaluated: 2025-08-20. Review status: criteria provided, single submitter. Criteria: Invitae Variant Classification Sherloc (09022015). Collection method: clinical testing. Allele origin: germline.
Comment: This sequence change replaces arginine, which is basic and polar, with leucine, which is neutral and non-polar, at codon 92 of the ALPK3 protein (p.Arg92Leu). This variant is not present in population databases (gnomAD no frequency). This variant has not been reported in the literature in individuals affected with ALPK3-related conditions. ClinVar contains an entry for this variant (Variation ID: 1520038). An algorithm developed to predict the effect of missense changes on protein structure and function (PolyPhen-2) suggests that this variant is likely to be tolerated. In summary, the available evidence is currently insufficient to determine the role of this variant in disease. Therefore, it has been classified as a Variant of Uncertain Significance.

NC_000015.10:g.84817121G>T

Gene: ALPK3 (alpha kinase 3; plus strand). Cytogenetic location: 15q25.3.
Variant type: single nucleotide variant.
Genome position: GRCh38 VCF-style: chr15-84817121-G-T. GRCh37 (hg19) VCF-style: chr15-85360352-G-T.
Identifiers: ClinVar variation 1520038 (VCV001520038.8), dbSNP rs779706830, ClinGen allele CA7708827.